The following is an entry in ClinVar:

ClinVar aggregate classification (germline): Benign/Likely benign. Review status: criteria provided, multiple submitters, no conflicts (2 of 4 stars). 4 submissions from 4 submitters: Benign (3); Likely benign (1). Last evaluated 2026-01-19.

Conditions:
Long QT syndrome (LQTS). Identifiers: MedGen C0023976, MeSH D008133, MONDO:0002442. Disease mechanism: loss of function. Inheritance: Various modes of inheritance.

Allele frequency attached by ClinVar (database versions not stated): gnomAD 0.00004 and 0.00026; TOPMed 0.00009; gnomAD exomes 0.00059 and 0.00125; 1000 Genomes Project 0.00140; 1000 Genomes Project 30x 0.00141; ExAC 0.00160.
gnomAD v4.1: 892 of 1,597,672 alleles (0.056%); highest among the groups gnomAD compares: South Asian, 0.9%; 15 homozygotes.

Submissions (4):

Labcorp Genetics (formerly Invitae), Labcorp
Classification: Benign for Long QT syndrome. Last evaluated: 2026-01-19. Review status: criteria provided, single submitter. Criteria: Invitae Variant Classification Sherloc (09022015). Collection method: clinical testing. Allele origin: germline.

Blueprint Genetics
Classification: Likely benign. Last evaluated: 2024-11-18. Review status: criteria provided, single submitter. Criteria: ACMG Guidelines, 2015. Collection method: clinical testing. Allele origin: germline.

GeneDx
Classification: Benign. Last evaluated: 2014-05-18. Review status: criteria provided, single submitter. Criteria: GeneDx Variant Classification (06012015). Collection method: clinical testing. Allele origin: germline. Affected: yes.
Comment: This variant is considered likely benign or benign based on one or more of the following criteria: it is a conservative change, it occurs at a poorly conserved position in the protein, it is predicted to be benign by multiple in silico algorithms, and/or has population frequency not consistent with disease.

Breakthrough Genomics
Classification: Benign. Review status: criteria provided, single submitter. Criteria: ACMG Guidelines, 2015. Collection method: not provided. Allele origin: germline. Inheritance: Autosomal dominant inheritance. Affected: yes.

NM_000719.7(CACNA1C):c.478-19T>G

Gene: CACNA1C (calcium voltage-gated channel subunit alpha1 C; plus strand). Cytogenetic location: 12p13.33.
Variant type: single nucleotide variant.
Coding change: c.478-19T>G on transcript NM_000719.7 (MANE Select); 19 bases into the intron before coding-DNA position 478, T replaced by G.
Molecular consequence: intron variant.
Genome position (GRCh38, 1-based): chr12:2,448,957, T>G. VCF-style: chr12-2448957-T-G. GRCh37 (hg19) VCF-style: chr12-2558123-T-G.
Other names: c.478-19T>G (NM_001167624.3, NM_001167623.2, NM_001167625.2 and 19 more transcripts).
Identifiers: ClinVar variation 136610 (VCV000136610.11), dbSNP rs571558332, ClinGen allele CA289787.